The following is an entry in ClinVar:

ClinVar aggregate classification (germline): Conflicting classifications of pathogenicity. Review status: criteria provided, conflicting classifications (1 of 4 stars). 3 submissions from 3 submitters: Uncertain significance (2); Likely benign (1). Last evaluated 2023-05-22.

Conditions:
Adams-Oliver syndrome 5 (AOS5). Identifiers: Orphanet 974, MedGen C4014970, MONDO:0014459, OMIM 616028.
Familial thoracic aortic aneurysm and aortic dissection (TAAD). Also called: Thoracic aortic aneurysms and dissections. Identifiers: Orphanet 91387, MedGen C4707243, MONDO:0019625.

Allele frequency attached by ClinVar (database versions not stated): gnomAD 0.00001; gnomAD exomes 0.00001; TOPMed 0.00001.
gnomAD v4.1: 16 of 1,606,154 alleles (0.001%); highest among the groups gnomAD compares: Non-Finnish European, 0.0014%; no homozygotes.

Submissions (3):

Labcorp Genetics (formerly Invitae), Labcorp
Classification: Likely benign for Adams-Oliver syndrome 5. Last evaluated: 2023-05-22. Review status: criteria provided, single submitter. Criteria: Invitae Variant Classification Sherloc (09022015). Collection method: clinical testing. Allele origin: germline.

Ambry Genetics
Classification: Uncertain significance for Familial thoracic aortic aneurysm and aortic dissection. Last evaluated: 2022-08-24. Review status: criteria provided, single submitter. Criteria: Ambry Variant Classification Scheme 2023. Collection method: clinical testing. Allele origin: germline.
Comment: The p.T2134I variant (also known as c.6401C>T), located in coding exon 34 of the NOTCH1 gene, results from a C to T substitution at nucleotide position 6401. The threonine at codon 2134 is replaced by isoleucine, an amino acid with similar properties. This amino acid position is conserved. In addition, the in silico prediction for this alteration is inconclusive. Since supporting evidence is limited at this time, the clinical significance of this alteration remains unclear.

GeneDx
Classification: Uncertain significance. Last evaluated: 2019-10-14. Review status: criteria provided, single submitter. Criteria: GeneDx Variant Classification Process June 2021. Collection method: clinical testing. Allele origin: germline. Affected: yes.
Comment: Not observed at a significant frequency in large population cohorts (Lek et al., 2016); In silico analysis, which includes protein predictors and evolutionary conservation, supports a deleterious effect; Has not been previously published as pathogenic or benign to our knowledge

NM_017617.5(NOTCH1):c.6401C>T (p.Thr2134Ile)

Gene: NOTCH1 (notch receptor 1; minus strand). Cytogenetic location: 9q34.3.
Variant type: single nucleotide variant.
Coding change: c.6401C>T on transcript NM_017617.5 (MANE Select); coding-DNA position 6401, C replaced by T.
Protein change: p.Thr2134Ile; replaces threonine 2134 with isoleucine.
Molecular consequence: missense variant.
Genome position (GRCh38, 1-based): chr9:136,497,338, G>A on the plus strand (C>T on the coding strand, the complement: NOTCH1 is on the minus strand). VCF-style: chr9-136497338-G-A. GRCh37 (hg19) VCF-style: chr9-139391790-G-A.
Other names: short protein forms T2134I.
Identifiers: ClinVar variation 1309289 (VCV001309289.8), dbSNP rs1249825304, ClinGen allele CA375631833.